The following is an entry in ClinVar:

NM_000214.3(JAG1):c.1696C>G (p.His566Asp)

Gene: JAG1 (jagged canonical Notch ligand 1; minus strand). Cytogenetic location: 20p12.2.
Variant type: single nucleotide variant.
Coding change: c.1696C>G on transcript NM_000214.3 (MANE Select); coding-DNA position 1696, C replaced by G.
Protein change: p.His566Asp; replaces histidine 566 with aspartic acid.
Molecular consequence: missense variant.
Genome position (GRCh38, 1-based): chr20:10,647,984, G>C on the plus strand (C>G on the coding strand, the complement: JAG1 is on the minus strand). VCF-style: chr20-10647984-G-C. GRCh37 (hg19) VCF-style: chr20-10628632-G-C.
Other names: short protein forms H566D.
Identifiers: ClinVar variation 1465007 (VCV001465007.6), dbSNP rs927278875, ClinGen allele CA408236747.

ClinVar aggregate classification (germline): Uncertain significance (1 of 4 stars; one submission).

Conditions:
Alagille syndrome due to a JAG1 point mutation. Also called: HEPATIC DUCTULAR HYPOPLASIA, SYNDROMATIC; JAG1-Related Alagille Syndrome; Alagille Syndrome 1. Identifiers: Orphanet 261619, Orphanet 52, MedGen C1956125, MONDO:0016862, OMIM 118450.

Submission:

Labcorp Genetics (formerly Invitae), Labcorp
Classification: Uncertain significance for Alagille syndrome due to a JAG1 point mutation. Last evaluated: 2021-07-28. Review status: criteria provided, single submitter. Criteria: Invitae Variant Classification Sherloc (09022015). Collection method: clinical testing. Allele origin: germline.
Comment: In summary, the available evidence is currently insufficient to determine the role of this variant in disease. Therefore, it has been classified as a Variant of Uncertain Significance. Advanced modeling of protein sequence and biophysical properties (such as structural, functional, and spatial information, amino acid conservation, physicochemical variation, residue mobility, and thermodynamic stability) performed at Invitae indicates that this missense variant is not expected to disrupt JAG1 protein function. This variant has not been reported in the literature in individuals affected with JAG1-related conditions. This variant is not present in population databases (ExAC no frequency). This sequence change replaces histidine with aspartic acid at codon 566 of the JAG1 protein (p.His566Asp). The histidine residue is highly conserved and there is a moderate physicochemical difference between histidine and aspartic acid.